The following is an entry in ClinVar:

ClinVar aggregate classification (germline): Pathogenic. Review status: criteria provided, multiple submitters, no conflicts (2 of 4 stars). 4 submissions from 4 submitters: Pathogenic (4). Last evaluated 2024-10-26.

Conditions:
Lowe syndrome (OCRL). Also called: Oculocerebrorenal Syndrome; PHOSPHATIDYLINOSITOL 4,5-BISPHOSPHATE 5-PHOSPHATASE DEFICIENCY; LOWE OCULOCEREBRORENAL SYNDROME. Identifiers: Orphanet 534, MedGen C0028860, MONDO:0010645, OMIM 309000.

Submissions (4):

Labcorp Genetics (formerly Invitae), Labcorp
Classification: Pathogenic for Lowe syndrome. Last evaluated: 2024-10-26. Review status: criteria provided, single submitter. Criteria: Invitae Variant Classification Sherloc (09022015). Collection method: clinical testing. Allele origin: germline.
Comment: This sequence change creates a premature translational stop signal (p.Val787Glyfs*2) in the OCRL gene. It is expected to result in an absent or disrupted protein product. Loss-of-function variants in OCRL are known to be pathogenic (PMID: 19390221, 21031565, 22381590). This variant is not present in population databases (gnomAD no frequency). This premature translational stop signal has been observed in individual(s) with OCRL-related conditions (PMID: 9199559). This variant is also known as 2535-2536, 2536-2537, or 2537-2538delGT. ClinVar contains an entry for this variant (Variation ID: 265392). For these reasons, this variant has been classified as Pathogenic.

Johns Hopkins Genomics, Johns Hopkins University
Classification: Pathogenic for Lowe syndrome. Last evaluated: 2023-01-10. Review status: criteria provided, single submitter. Criteria: ACMG Guidelines, 2015. Collection method: clinical testing. Allele origin: germline.
Comment: This OCRL variant (rs886039519) is absent from a large population dataset and has an entry in ClinVar. It has been reported previously in individuals with Lowe syndrome. This frameshift variant in exon 22 of 24 results in a premature termination codon (PTC) likely leading to nonsense-mediated decay and lack of protein production. Experimental studies using patient fibroblasts with this variant have shown reduced enzyme activity and no detectable protein by western blot. We consider c.2360_2361del (p.Val787fs) to be pathogenic.

GeneDx
Classification: Pathogenic. Last evaluated: 2016-06-17. Review status: criteria provided, single submitter. Criteria: GeneDx Variant Classification (06012015). Collection method: clinical testing. Allele origin: germline. Affected: yes.
Comment: The c.2360_2361delTG variant in the OCRL gene has been reported previously as a pathogenic variant using alternate nomenclature (described as 2535â€“2536, 2536â€“2537, or 2537â€“2538delGT) in association with Lowe syndrome (Lin et al., 1997; Hichri et al., 2011). The c.2360_2361delTG variant causes a frameshift starting with Valine 787, changes this amino acid to a Glycine residue, and creates a premature Stop codon at position 2 of the new reading frame, denoted p.Val787GlyfsX2. This variant is predicted to cause loss of normal protein function either through protein truncation or nonsense-mediated mRNA decay. Functional studies on patient fibroblasts with this variant have shown reduced enzyme activity with no protein detectable by western blot (Lin et al., 1997). The c.2360_2361delTG variant was not observed in approximately 6500 individuals of European and African American ancestry in the NHLBI Exome Sequencing Project, indicating it is not a common benign variant in these populations. Therefore, we interpret c.2360_2361delTG as a pathogenic variant.

Neuberg Centre For Genomic Medicine, NCGM
Classification: Pathogenic for Lowe syndrome. Review status: criteria provided, single submitter. Criteria: ACMG Guidelines, 2015. Collection method: clinical testing. Allele origin: germline. Affected: yes.
Comment: Functional studies confirmed absence of protein on western blot (Hichri et al, 2011). The variant has been submitted to ClinVar as Pathogenic. The p.V787Gfs*2 variant is novel (not in any individuals) in gnomAD Exomes and is novel (not in any individuals) in 1000 Genomes. This variant is predicted to cause loss of normal protein function through protein truncation. Loss of function variants have been reported to be disease causing previously

Literature cited by the submitters: PubMed 19390221 (cited by Labcorp Genetics (formerly Invitae), Labcorp); PubMed 21031565 (cited by Labcorp Genetics (formerly Invitae), Labcorp and Johns Hopkins Genomics, Johns Hopkins University); PubMed 22381590 (cited by Labcorp Genetics (formerly Invitae), Labcorp); PubMed 9199559 (cited by Labcorp Genetics (formerly Invitae), Labcorp and Johns Hopkins Genomics, Johns Hopkins University).

NM_000276.4(OCRL):c.2360_2361del (p.Val787fs)

Gene: OCRL (OCRL inositol polyphosphate-5-phosphatase; plus strand). Cytogenetic location: Xq26.1.
Variant type: Microsatellite.
Coding change: c.2360_2361del on transcript NM_000276.4 (MANE Select); coding-DNA positions 2360 to 2361, 2 bases deleted (TG; older notation c.2360_2361delTG).
Protein change: p.Val787fs; shifts the reading frame from valine 787.
Molecular consequence: frameshift variant.
Genome position (GRCh38, 1-based): chrX:129,588,904-129,588,905, TG deleted; deleting any 2 consecutive bases within chrX:129,588,902-129,588,905 gives the same sequence; the c. name uses the placement nearest the transcript's 3' end. VCF-style (leftmost placement, unchanged base first): chrX-129588901-CTG-C. GRCh37 (hg19) VCF-style: chrX-128722878-CTG-C.
Other names: c.2360_2361delTG (NM_000276.3); c.2360_2361del (NM_000276.3); c.2363_2364del, p.Val788fs (NM_001318784.2); c.2336_2337del, p.Val779fs (NM_001587.4); short protein forms V787fs, V779fs, V788fs.
Identifiers: ClinVar variation 265392 (VCV000265392.8), dbSNP rs886039519, ClinGen allele CA10588740.